The following is an entry in ClinVar:

NM_032130.3(FAM186B):c.1132A>G (p.Met378Val)

Gene: FAM186B (family with sequence similarity 186 member B; minus strand). Cytogenetic location: 12q13.12.
Variant type: single nucleotide variant.
Coding change: c.1132A>G on transcript NM_032130.3 (MANE Select); coding-DNA position 1132, A replaced by G.
Protein change: p.Met378Val; replaces methionine 378 with valine.
Molecular consequence: missense variant. On other transcripts: non-coding transcript variant (1).
Genome position (GRCh38, 1-based): chr12:49,600,508, T>C on the plus strand (A>G on the coding strand, the complement: FAM186B is on the minus strand). VCF-style: chr12-49600508-T-C. GRCh37 (hg19) VCF-style: chr12-49994291-T-C.
Other names: short protein forms M378V.
Identifiers: ClinVar variation 3670637 (VCV003670637.2).

ClinVar aggregate classification (germline): Uncertain significance (1 of 4 stars; one submission).

gnomAD v4.1: 605 of 1,614,088 alleles (0.037%); highest among the groups gnomAD compares: Admixed American, 0.09%; no homozygotes.

Submission:

Labcorp Genetics (formerly Invitae), Labcorp
Classification: Uncertain significance. Last evaluated: 2025-04-29. Review status: criteria provided, single submitter. Criteria: Invitae Variant Classification Sherloc (09022015). Collection method: clinical testing. Allele origin: germline.
Comment: This sequence change replaces methionine, which is neutral and non-polar, with valine, which is neutral and non-polar, at codon 378 of the FAM186B protein (p.Met378Val). This variant is present in population databases (rs145067466, gnomAD 0.2%), and has an allele count higher than expected for a pathogenic variant. This variant has not been reported in the literature in individuals affected with FAM186B-related conditions. ClinVar contains an entry for this variant (Variation ID: 3670637). An algorithm developed to predict the effect of missense changes on protein structure and function outputs the following: PolyPhen-2: "Benign". The valine amino acid residue is found in multiple mammalian species, which suggests that this missense change does not adversely affect protein function. In summary, the available evidence is currently insufficient to determine the role of this variant in disease. Therefore, it has been classified as a Variant of Uncertain Significance.